The following is an entry in ClinVar:

NM_020247.5(COQ8A):c.1334C>A (p.Thr445Lys)

Gene: COQ8A (coenzyme Q8A; plus strand). Cytogenetic location: 1q42.13.
Variant type: single nucleotide variant.
Coding change: c.1334C>A on transcript NM_020247.5 (MANE Select); coding-DNA position 1334, C replaced by A.
Protein change: p.Thr445Lys; replaces threonine 445 with lysine.
Molecular consequence: missense variant.
Genome position (GRCh38, 1-based): chr1:226,984,171, C>A. VCF-style: chr1-226984171-C-A. GRCh37 (hg19) VCF-style: chr1-227171872-C-A.
Other names: p.Thr445Lys; short protein forms T445K.
Identifiers: ClinVar variation 520595 (VCV000520595.10), dbSNP rs751500793, ClinGen allele CA1425443.
Genomic context (GRCh38, chr1:226,984,171, plus strand): 5'-ACCCCTTCTTCTATGTGCCTGAGATTGTGGATGAGCTCTGCAGCCCACATGTGCTGACCA[C>A]AGAGCTGGTGTCTGGCTTCCCCCTGGACCAGGCCGAAGGGCTCAGCCAGGAGATTCGGAA-3'
Protein context (NP_064632.2, residues 435-455): DELCSPHVLT[Thr445Lys]ELVSGFPLDQ

ClinVar aggregate classification (germline): Uncertain significance. Review status: criteria provided, multiple submitters, no conflicts (2 of 4 stars). 4 submissions from 4 submitters: Uncertain significance (4). Last evaluated 2026-04-24.

Conditions:
Inborn genetic diseases. Identifiers: MedGen C0950123, MeSH D030342.

Allele frequency attached by ClinVar (database versions not stated): gnomAD exomes 0.00001; ExAC 0.00001; TOPMed 0.00002; gnomAD 0.00002.
gnomAD v4.1: 7 of 1,613,736 alleles (0.00043%); highest among the groups gnomAD compares: African/African-American, 0.0053%; no homozygotes.

Submissions (4):

GeneDx
Classification: Uncertain significance. Last evaluated: 2026-04-24. Review status: criteria provided, single submitter. Criteria: GeneDx Variant Classification Process June 2021. Collection method: clinical testing. Allele origin: germline.
Comment: Not observed at significant frequency in large population cohorts (gnomAD); In silico analysis supports that this missense variant has a deleterious effect on protein structure/function; Has not been previously published as pathogenic or benign to our knowledge

Mayo Clinic Laboratories, Mayo Clinic
Classification: Uncertain significance. Last evaluated: 2024-05-02. Review status: criteria provided, single submitter. Criteria: ACMG Guidelines, 2015. Collection method: clinical testing. Allele origin: germline. Observed: 1 variant allele.
Comment: PM2_moderate

Labcorp Genetics (formerly Invitae), Labcorp
Classification: Uncertain significance. Last evaluated: 2022-08-23. Review status: criteria provided, single submitter. Criteria: Invitae Variant Classification Sherloc (09022015). Collection method: clinical testing. Allele origin: germline.
Comment: This sequence change replaces threonine, which is neutral and polar, with lysine, which is basic and polar, at codon 445 of the COQ8A protein (p.Thr445Lys). In summary, the available evidence is currently insufficient to determine the role of this variant in disease. Therefore, it has been classified as a Variant of Uncertain Significance. Advanced modeling of protein sequence and biophysical properties (such as structural, functional, and spatial information, amino acid conservation, physicochemical variation, residue mobility, and thermodynamic stability) performed at Invitae indicates that this missense variant is expected to disrupt COQ8A protein function. ClinVar contains an entry for this variant (Variation ID: 520595). This variant has not been reported in the literature in individuals affected with COQ8A-related conditions. This variant is present in population databases (rs751500793, gnomAD 0.01%).

Ambry Genetics
Classification: Uncertain significance for Inborn genetic diseases. Last evaluated: 2014-11-21. Review status: criteria provided, single submitter. Criteria: Ambry exome assertion method (8-5-2015). Collection method: clinical testing. Allele origin: germline. Affected: yes. Observed: 1 variant allele.